The following is an entry in ClinVar:

ClinVar aggregate classification (germline): Pathogenic/Likely pathogenic. Review status: criteria provided, multiple submitters, no conflicts (2 of 4 stars). 3 submissions from 3 submitters: Pathogenic (2); Likely pathogenic (1). Last evaluated 2025-11-12.

Conditions:
Bardet-Biedl syndrome (BBS). Identifiers: Orphanet 110, MedGen C0752166, MONDO:0015229.
BBS2-related ciliopathy. Identifiers: MedGen CN378634, MONDO:1040048.

Submissions (3):

Labcorp Genetics (formerly Invitae), Labcorp
Classification: Pathogenic for Bardet-Biedl syndrome. Last evaluated: 2025-11-12. Review status: criteria provided, single submitter. Criteria: Invitae Variant Classification Sherloc (09022015). Collection method: clinical testing. Allele origin: germline.
Comment: This sequence change affects an acceptor splice site in intron 4 of the BBS2 gene. It is expected to disrupt RNA splicing. Variants that disrupt the donor or acceptor splice site typically lead to a loss of protein function (PMID: 16199547), and loss-of-function variants in BBS2 are known to be pathogenic (PMID: 11285252, 20177705, 24608809, 26518167). This variant is not present in population databases (gnomAD no frequency). Disruption of this splice site has been observed in individual(s) with clinical features of Bardet-Biedl syndrome (PMID: 36284670). ClinVar contains an entry for this variant (Variation ID: 499851). Algorithms developed to predict the effect of sequence changes on RNA splicing suggest that this variant may disrupt the consensus splice site. For these reasons, this variant has been classified as Pathogenic.

Myriad Genetics, Inc.
Classification: Likely pathogenic for BBS2-related ciliopathy. Last evaluated: 2025-01-14. Review status: criteria provided, single submitter. Criteria: Myriad Autosomal Dominant, Autosomal Recessive and X-Linked Classification Criteria (2023). Collection method: clinical testing. Allele origin: unknown.
Comment: NM_031885.3(BBS2):c.535-2A>G is a variant in a canonical splice site classified as likely pathogenic in the context of Bardet-Biedl syndrome, BBS2-related. c.535-2A>G has been observed in a case with relevant disease (PMID: 36284670). Relevant functional assessments of this variant are not available in the literature. c.535-2A>G has not been observed in referenced population frequency databases. In summary, NM_031885.3(BBS2):c.535-2A>G is a variant in a canonical splice site that has been observed more frequently in cases with the relevant disease than in healthy populations. Please note: this variant was assessed in the context of healthy population screening.

Eurofins Ntd Llc (ga)
Classification: Pathogenic. Last evaluated: 2017-02-27. Review status: criteria provided, single submitter. Criteria: EGL Classification Definitions 2015. Collection method: clinical testing. Allele origin: germline. Observed: 2 variant alleles, 1 heterozygote, 1 homozygote.

Literature cited by the submitters: PubMed 16199547 (cited by Labcorp Genetics (formerly Invitae), Labcorp); PubMed 11285252 (cited by Labcorp Genetics (formerly Invitae), Labcorp); PubMed 20177705 (cited by Labcorp Genetics (formerly Invitae), Labcorp); PubMed 24608809 (cited by Labcorp Genetics (formerly Invitae), Labcorp); PubMed 26518167 (cited by Labcorp Genetics (formerly Invitae), Labcorp); PubMed 36284670 (cited by Labcorp Genetics (formerly Invitae), Labcorp and Myriad Genetics, Inc.).

NM_031885.5(BBS2):c.535-2A>G

Gene: BBS2 (Bardet-Biedl syndrome 2; minus strand). Cytogenetic location: 16q13.
Variant type: single nucleotide variant.
Coding change: c.535-2A>G on transcript NM_031885.5 (MANE Select); the canonical splice acceptor site of the intron before coding-DNA position 535, A replaced by G.
Molecular consequence: splice acceptor variant.
Genome position (GRCh38, 1-based): chr16:56,510,036, T>C on the plus strand (A>G on the coding strand, the complement: BBS2 is on the minus strand). VCF-style: chr16-56510036-T-C. GRCh37 (hg19) VCF-style: chr16-56543948-T-C.
Other names: c.535-2A>G (NM_001377456.1).
Identifiers: ClinVar variation 499851 (VCV000499851.9), dbSNP rs1555523398, ClinGen allele CA395984136.
Genomic context (GRCh38, chr16:56,510,036, plus strand): 5'-GCCACAATCTCATCTTCCTTAAAAACTCGGATATCAAAATCCTCAGATCCAACAAGAAGC[T>C]GAAGGGGAAATATCATACATGTTCAGGTGAGTAAGTGCAAACAACAAAATTTCTGTAAAC-3'